The following is an entry in ClinVar:

NM_000135.4(FANCA):c.985dup (p.Thr329fs)

Gene: FANCA (FA complementation group A; minus strand). Cytogenetic location: 16q24.3.
Variant type: Duplication.
Coding change: c.985dup on transcript NM_000135.4 (MANE Select); coding-DNA position 985, one base duplicated (A; older notation c.985dupA).
Protein change: p.Thr329fs; shifts the reading frame from threonine 329.
Molecular consequence: frameshift variant.
Genome position (GRCh38, 1-based): chr16:89,795,927, T duplicated on the plus strand (A on the coding strand, the reverse complement: FANCA is on the minus strand). VCF-style (leftmost placement, unchanged base first): chr16-89795926-G-GT. GRCh37 (hg19) VCF-style: chr16-89862334-G-GT.
Other names: c.985dup, p.Thr329fs (NM_001286167.3); short protein forms T329fs.
Identifiers: ClinVar variation 2772071 (VCV002772071.3), dbSNP rs2544288124, ClinGen allele CA2697556028.
Genomic context (GRCh38, chr16:89,795,926, plus strand): 5'-AAAATGGGTAGCAACTGAGCAGCCTCCACACTGGGCCTACCTTTCAGCACAGGGCTGTGA[G>GT]TGAGTATCTGAGTCAGGGTATGACTGAAGAACCTCTTCAGAGGATCTGTGGAAATTACAC-3'

ClinVar aggregate classification (germline): Pathogenic (1 of 4 stars; one submission).

Conditions:
Fanconi anemia (FA). Also called: Fanconi's anemia. Identifiers: Orphanet 84, MedGen C0015625, MeSH D005199, MONDO:0019391.

Submission:

Labcorp Genetics (formerly Invitae), Labcorp
Classification: Pathogenic for Fanconi anemia. Last evaluated: 2023-10-27. Review status: criteria provided, single submitter. Criteria: Invitae Variant Classification Sherloc (09022015). Collection method: clinical testing. Allele origin: germline.
Comment: This sequence change creates a premature translational stop signal (p.Thr329Asnfs*10) in the FANCA gene. It is expected to result in an absent or disrupted protein product. Loss-of-function variants in FANCA are known to be pathogenic (PMID: 19367192). This variant is not present in population databases (gnomAD no frequency). This variant has not been reported in the literature in individuals affected with FANCA-related conditions. For these reasons, this variant has been classified as Pathogenic.

Literature cited by the submitters: PubMed 19367192.